The following is an entry in ClinVar:

NM_014920.5(CILK1):c.1423C>T (p.Arg475Trp)

Gene: CILK1 (ciliogenesis associated kinase 1; minus strand). Cytogenetic location: 6p12.1.
Variant type: single nucleotide variant.
Coding change: c.1423C>T on transcript NM_014920.5 (MANE Select); coding-DNA position 1423, C replaced by T.
Protein change: p.Arg475Trp; replaces arginine 475 with tryptophan.
Molecular consequence: missense variant. On other transcripts: non-coding transcript variant (1).
Genome position (GRCh38, 1-based): chr6:53,011,838, G>A on the plus strand (C>T on the coding strand, the complement: CILK1 is on the minus strand). VCF-style: chr6-53011838-G-A. GRCh37 (hg19) VCF-style: chr6-52876636-G-A.
Other names: c.1444C>T, p.Arg482Trp (NM_001375397.1); c.1423C>T, p.Arg475Trp (NM_001375398.1, NM_001375399.1, NM_001375400.1 and 3 more transcripts); c.1423C>T (NM_016513.4); short protein forms R475W, R482W.
Identifiers: ClinVar variation 1680540 (VCV001680540.4), dbSNP rs377606328, ClinGen allele CA3858545.

ClinVar aggregate classification (germline): Uncertain significance. Review status: criteria provided, multiple submitters, no conflicts (2 of 4 stars). 2 submissions from 2 submitters: Uncertain significance (2). Last evaluated 2024-12-17.

Allele frequency attached by ClinVar (database versions not stated): ExAC 0.00002; gnomAD exomes 0.00002; gnomAD 0.00013 and 0.00014.
gnomAD v4.1: 52 of 1,614,028 alleles (0.0032%); highest among the groups gnomAD compares: African/African-American, 0.027%; no homozygotes.

Submissions (2):

Ambry Genetics
Classification: Uncertain significance. Last evaluated: 2024-12-17. Review status: criteria provided, single submitter. Criteria: Ambry Variant Classification Scheme 2023. Collection method: clinical testing. Allele origin: germline.

Labcorp Genetics (formerly Invitae), Labcorp
Classification: Uncertain significance. Last evaluated: 2022-02-08. Review status: criteria provided, single submitter. Criteria: Invitae Variant Classification Sherloc (09022015). Collection method: clinical testing. Allele origin: germline.
Comment: This sequence change replaces arginine, which is basic and polar, with tryptophan, which is neutral and slightly polar, at codon 475 of the ICK protein (p.Arg475Trp). This variant is present in population databases (rs377606328, gnomAD 0.01%). This variant has not been reported in the literature in individuals affected with ICK-related conditions. Algorithms developed to predict the effect of missense changes on protein structure and function are either unavailable or do not agree on the potential impact of this missense change (SIFT: "Deleterious"; PolyPhen-2: "Benign"; Align-GVGD: "Class C0"). In summary, the available evidence is currently insufficient to determine the role of this variant in disease. Therefore, it has been classified as a Variant of Uncertain Significance.